The following is an entry in ClinVar:

NM_001267550.2(TTN):c.72826A>T (p.Thr24276Ser)

Genes: TTN (titin; minus strand), TTN-AS1 (TTN antisense RNA 1; plus strand). Cytogenetic location: 2q31.2.
Variant type: single nucleotide variant.
Coding change: c.72826A>T on transcript NM_001267550.2 (MANE Select); coding-DNA position 72826, A replaced by T.
Protein change: p.Thr24276Ser; replaces threonine 24276 with serine.
Molecular consequence: missense variant.
Genome position (GRCh38, 1-based): chr2:178,573,306, T>A on the plus strand (A>T on the coding strand, the complement: TTN is on the minus strand). VCF-style: chr2-178573306-T-A. GRCh37 (hg19) VCF-style: chr2-179438033-T-A.
Other names: p.T22635S:ACT>TCT; c.67903A>T, p.Thr22635Ser (NM_001256850.1); c.45631A>T, p.Thr15211Ser (NM_003319.4); c.65122A>T, p.Thr21708Ser (NM_133378.4); c.46006A>T, p.Thr15336Ser (NM_133432.3); c.46207A>T, p.Thr15403Ser (NM_133437.4); short protein forms T22635S, T24276S, T15336S, T15403S, T15211S, T21708S.
Identifiers: ClinVar variation 202845 (VCV000202845.34), dbSNP rs373204984, ClinGen allele CA310463.

ClinVar aggregate classification (germline): Conflicting classifications of pathogenicity. Review status: criteria provided, conflicting classifications (1 of 4 stars). 6 submissions from 6 submitters: Uncertain significance (5); Likely benign (1). Last evaluated 2026-02-04.

Conditions:
TTN-related disorder. Also called: TTN-related condition; TTN-related disease; TTN-related disorders.
Cardiovascular phenotype. Identifiers: MedGen CN230736.
Autosomal recessive limb-girdle muscular dystrophy type 2J (LGMDR10). Also called: Limb-girdle muscular dystrophy, type 2J; MUSCULAR DYSTROPHY, LIMB-GIRDLE, AUTOSOMAL RECESSIVE 10. Identifiers: Orphanet 140922, MedGen C1837342, MONDO:0012127, OMIM 608807.
Dilated cardiomyopathy 1G (CMD1G). Identifiers: Orphanet 154, MedGen C1858763, MONDO:0011400, OMIM 604145.

Allele frequency attached by ClinVar (database versions not stated): ExAC 0.00004; gnomAD exomes 0.00005; gnomAD 0.00009; TOPMed 0.00011; ESP Exome Variant Server 0.00017.
gnomAD v4.1: 220 of 1,577,160 alleles (0.014%); highest among the groups gnomAD compares: Non-Finnish European, 0.017%; no homozygotes.

Submissions (6):

PreventionGenetics, part of Exact Sciences
Classification: Uncertain significance for TTN-related condition. Last evaluated: 2026-02-04. Review status: criteria provided, single submitter. Criteria: ACMG Guidelines, 2015. Collection method: clinical testing. Allele origin: germline.
Comment: The TTN c.72826A>T variant is predicted to result in the amino acid substitution p.Thr24276Ser. To our knowledge, this variant has not been reported in the literature. This variant is reported in 0.013% of alleles in individuals of European (Non-Finnish) descent in gnomAD. Although we suspect that this variant may be benign, at this time, the clinical significance of this variant is uncertain due to the absence of conclusive functional and genetic evidence.

Revvity Omics, Revvity
Classification: Uncertain significance. Last evaluated: 2025-07-24. Review status: criteria provided, single submitter. Criteria: ACMG Guidelines, 2015. Collection method: clinical testing. Allele origin: germline.

CeGaT Center for Human Genetics Tuebingen
Classification: Uncertain significance. Last evaluated: 2024-02-01. Review status: criteria provided, single submitter. Criteria: CeGaT Center For Human Genetics Tuebingen Variant Classification Criteria Version 2. Collection method: clinical testing. Allele origin: germline. Affected: yes. Observed: 3 variant alleles.
Comment: TTN: PM2, BP4

GeneDx
Classification: Likely benign. Last evaluated: 2020-12-21. Review status: criteria provided, single submitter. Criteria: GeneDx Variant Classification Process June 2021. Collection method: clinical testing. Allele origin: germline. Affected: yes.

Ambry Genetics
Classification: Uncertain significance for Cardiovascular phenotype. Last evaluated: 2019-09-29. Review status: criteria provided, single submitter. Criteria: Ambry Variant Classification Scheme 2023. Collection method: clinical testing. Allele origin: germline.
Comment: The p.T15211S variant (also known as c.45631A>T), located in coding exon 153 of the TTN gene, results from an A to T substitution at nucleotide position 45631. The threonine at codon 15211 is replaced by serine, an amino acid with similar properties. This amino acid position is not well conserved in available vertebrate species. In addition, this alteration is predicted to be tolerated by in silico analysis. Since supporting evidence is limited at this time, the clinical significance of this alteration remains unclear.

Labcorp Genetics (formerly Invitae), Labcorp
Classification: Uncertain significance for Dilated cardiomyopathy 1G; Autosomal recessive limb-girdle muscular dystrophy type 2J. Last evaluated: 2017-04-20. Review status: criteria provided, single submitter. Criteria: Invitae Variant Classification Sherloc (09022015). Collection method: clinical testing. Allele origin: germline.